The following is an entry in ClinVar:

ClinVar aggregate classification (germline): Uncertain significance (1 of 4 stars; one submission).

Allele frequency attached by ClinVar (database versions not stated): ExAC 0.00002; gnomAD exomes 0.00002 and 0.00003; gnomAD 0.00005 and 0.00006; TOPMed 0.00008.
gnomAD v4.1: 56 of 1,612,966 alleles (0.0035%); highest among the groups gnomAD compares: Admixed American, 0.005%; no homozygotes.

Submission:

Labcorp Genetics (formerly Invitae), Labcorp
Classification: Uncertain significance. Last evaluated: 2025-09-02. Review status: criteria provided, single submitter. Criteria: Invitae Variant Classification Sherloc (09022015). Collection method: clinical testing. Allele origin: germline.
Comment: This sequence change replaces valine, which is neutral and non-polar, with phenylalanine, which is neutral and non-polar, at codon 156 of the FAM134B protein (p.Val156Phe). This variant is present in population databases (rs758377163, gnomAD 0.006%). This variant has not been reported in the literature in individuals affected with FAM134B-related conditions. ClinVar contains an entry for this variant (Variation ID: 470693). Invitae Evidence Modeling of protein sequence and biophysical properties (such as structural, functional, and spatial information, amino acid conservation, physicochemical variation, residue mobility, and thermodynamic stability) indicates that this missense variant is not expected to disrupt FAM134B protein function with a negative predictive value of 80%. In summary, the available evidence is currently insufficient to determine the role of this variant in disease. Therefore, it has been classified as a Variant of Uncertain Significance.

NM_001034850.3(RETREG1):c.466G>T (p.Val156Phe)

Gene: RETREG1 (reticulophagy regulator 1; minus strand). Cytogenetic location: 5p15.1.
Variant type: single nucleotide variant.
Coding change: c.466G>T on transcript NM_001034850.3 (MANE Select); coding-DNA position 466, G replaced by T.
Protein change: p.Val156Phe; replaces valine 156 with phenylalanine.
Molecular consequence: missense variant.
Genome position (GRCh38, 1-based): chr5:16,483,465, C>A on the plus strand (G>T on the coding strand, the complement: RETREG1 is on the minus strand). VCF-style: chr5-16483465-C-A. GRCh37 (hg19) VCF-style: chr5-16483574-C-A.
Other names: c.43G>T, p.Val15Phe (NM_019000.5); short protein forms V156F, V15F.
Identifiers: ClinVar variation 470693 (VCV000470693.6), dbSNP rs758377163, ClinGen allele CA3210426.